The following is an entry in ClinVar:

NM_001318510.2(ACSL4):c.73G>A (p.Asp25Asn)

Gene: ACSL4 (acyl-CoA synthetase long chain family member 4; minus strand). Cytogenetic location: Xq23.
Variant type: single nucleotide variant.
Coding change: c.73G>A on transcript NM_001318510.2 (MANE Select); coding-DNA position 73, G replaced by A.
Protein change: p.Asp25Asn; replaces aspartic acid 25 with asparagine.
Molecular consequence: missense variant.
Genome position (GRCh38, 1-based): chrX:109,683,291, C>T on the plus strand (G>A on the coding strand, the complement: ACSL4 is on the minus strand). VCF-style: chrX-109683291-C-T. GRCh37 (hg19) VCF-style: chrX-108926520-C-T.
Other names: c.196G>A, p.Asp66Asn (NM_001318509.2, NM_022977.3); c.73G>A, p.Asp25Asn (NM_004458.3); short protein forms D25N, D66N.
Identifiers: ClinVar variation 2637803 (VCV002637803.1), dbSNP rs1363259105, ClinGen allele CA414219198.

ClinVar aggregate classification (germline): Uncertain significance (1 of 4 stars; one submission).

Allele frequency attached by ClinVar (database versions not stated): gnomAD exomes below 0.00001; TOPMed below 0.00001; gnomAD 0.00001.
gnomAD v4.1: 4 of 1,210,255 alleles (0.00033%); highest among the groups gnomAD compares: Non-Finnish European, 0.00045%; no homozygotes.

Submission:

Women's Health and Genetics/Laboratory Corporation of America, LabCorp
Classification: Uncertain significance. Last evaluated: 2023-10-18. Review status: criteria provided, single submitter. Criteria: LabCorp Variant Classification Summary - May 2015. Collection method: clinical testing. Allele origin: germline.
Comment: Variant summary: ACSL4 c.73G>A (p.Asp25Asn) results in a conservative amino acid change in the encoded protein sequence. Four of five in-silico tools predict a benign effect of the variant on protein function. The variant was absent in 183369 control chromosomes (gnomAD). The available data on variant occurrences in the general population are insufficient to allow any conclusion about variant significance. To our knowledge, no occurrence of c.73G>A in individuals affected with Mental Retardation 63 and no experimental evidence demonstrating its impact on protein function have been reported. No submitters have cited clinical-significance assessments for this variant to ClinVar after 2014. Based on the evidence outlined above, the variant was classified as uncertain significance.